The following is an entry in ClinVar:

ClinVar aggregate classification (germline): Uncertain significance. Review status: criteria provided, multiple submitters, no conflicts (2 of 4 stars). 2 submissions from 2 submitters: Uncertain significance (2). Last evaluated 2026-07-11.

Conditions:
Neuroblastoma, susceptibility to, 3. Also called: ALK-Related Neuroblastic Tumor Susceptibility. Identifiers: Orphanet 635, MedGen C2751681, MONDO:0013083, OMIM 613014.
Hereditary cancer-predisposing syndrome. Also called: Tumor predisposition; Hereditary neoplastic syndrome; Hereditary Cancer Syndrome; Neoplastic Syndromes, Hereditary. Identifiers: Orphanet 140162, MedGen C0027672, MeSH D009386, MONDO:0015356.

gnomAD v4.1: 2 of 1,613,990 alleles (0.00012%); highest among the groups gnomAD compares: South Asian, 0.0022%; no homozygotes.

Submissions (2):

Ambry Genetics
Classification: Uncertain significance for Hereditary cancer-predisposing syndrome. Last evaluated: 2026-07-11. Review status: criteria provided, single submitter. Criteria: Ambry Variant Classification Scheme 2023. Collection method: clinical testing. Allele origin: germline.
Comment: The p.M751K variant (also known as c.2252T>A), located in coding exon 13 of the ALK gene, results from a T to A substitution at nucleotide position 2252. The methionine at codon 751 is replaced by lysine, an amino acid with similar properties. This amino acid position is conserved. In addition, the in silico prediction for this alteration is inconclusive. Based on the available evidence, the clinical significance of this variant remains unclear.

Labcorp Genetics (formerly Invitae), Labcorp
Classification: Uncertain significance for Neuroblastoma, susceptibility to, 3. Last evaluated: 2024-04-15. Review status: criteria provided, single submitter. Criteria: Invitae Variant Classification Sherloc (09022015). Collection method: clinical testing. Allele origin: germline.
Comment: This sequence change replaces methionine, which is neutral and non-polar, with lysine, which is basic and polar, at codon 751 of the ALK protein (p.Met751Lys). This variant is present in population databases (no rsID available, gnomAD 0.003%). This variant has not been reported in the literature in individuals affected with ALK-related conditions. An algorithm developed to predict the effect of missense changes on protein structure and function (PolyPhen-2) suggests that this variant is likely to be tolerated. In summary, the available evidence is currently insufficient to determine the role of this variant in disease. Therefore, it has been classified as a Variant of Uncertain Significance.

NM_004304.5(ALK):c.2252T>A (p.Met751Lys)

Gene: ALK (ALK receptor tyrosine kinase; minus strand). Cytogenetic location: 2p23.2.
Variant type: single nucleotide variant.
Coding change: c.2252T>A on transcript NM_004304.5 (MANE Select); coding-DNA position 2252, T replaced by A.
Protein change: p.Met751Lys; replaces methionine 751 with lysine.
Molecular consequence: missense variant.
Genome position (GRCh38, 1-based): chr2:29,239,783, A>T on the plus strand (T>A on the coding strand, the complement: ALK is on the minus strand). VCF-style: chr2-29239783-A-T. GRCh37 (hg19) VCF-style: chr2-29462649-A-T.
Other names: c.2252T>A (NM_004304.4); short protein forms M751K.
Identifiers: ClinVar variation 3706415 (VCV003706415.3).